The following is an entry in ClinVar:

NM_206933.4(USH2A):c.6756T>G (p.Tyr2252Ter)

Gene: USH2A (usherin; minus strand). Cytogenetic location: 1q41.
Variant type: single nucleotide variant.
Coding change: c.6756T>G on transcript NM_206933.4 (MANE Select); coding-DNA position 6756, T replaced by G.
Protein change: p.Tyr2252Ter; replaces tyrosine 2252 with a stop codon.
Molecular consequence: nonsense.
Genome position (GRCh38, 1-based): chr1:215,993,069, A>C on the plus strand (T>G on the coding strand, the complement: USH2A is on the minus strand). VCF-style: chr1-215993069-A-C. GRCh37 (hg19) VCF-style: chr1-216166411-A-C.
Other names: short protein forms Y2252*.
Identifiers: ClinVar variation 5013927 (VCV005013927.1).
Genomic context (GRCh38, chr1:215,993,069, plus strand): 5'-AGTTCACTTACCATTCGGATATTCAGGCTCAGTCCAGGAGACATTAAAGGAGTCAGGTGA[A>C]TATGAGTGGGCTTTGGGGGCTGGCACGCCTTCGGGTATGTCCTCGTCAGTTAGGGCCTCA-3'

ClinVar aggregate classification (germline): Pathogenic (1 of 4 stars; one submission).

Conditions:
USH2A-related disorder. Also called: USH2A-related condition; USH2A-related disorders. Identifiers: MedGen CN239332.

Submission:

Myriad Genetics, Inc.
Classification: Pathogenic for USH2A-related disorder. Last evaluated: 2025-01-03. Review status: criteria provided, single submitter. Criteria: Myriad Autosomal Dominant, Autosomal Recessive and X-Linked Classification Criteria (2023). Collection method: clinical testing. Allele origin: unknown.
Comment: NM_206933.2(USH2A):c.6756T>G(Y2252*) is expected to be pathogenic in the context of USH2A-related disorders. This variant is predicted to lead to an abnormal or absent protein product due to the creation of a premature termination codon in USH2A, a gene where loss-of-function variants are known to be pathogenic. Please note: this variant was assessed in the context of healthy population screening.